The following is an entry in ClinVar:

NM_024685.4(BBS10):c.1896A>G (p.Ile632Met)

Gene: BBS10 (Bardet-Biedl syndrome 10; minus strand). Cytogenetic location: 12q21.2.
Variant type: single nucleotide variant.
Coding change: c.1896A>G on transcript NM_024685.4 (MANE Select); coding-DNA position 1896, A replaced by G.
Protein change: p.Ile632Met; replaces isoleucine 632 with methionine.
Molecular consequence: missense variant.
Genome position (GRCh38, 1-based): chr12:76,346,089, T>C on the plus strand (A>G on the coding strand, the complement: BBS10 is on the minus strand). VCF-style: chr12-76346089-T-C. GRCh37 (hg19) VCF-style: chr12-76739869-T-C.
Other names: short protein forms I632M.
Identifiers: ClinVar variation 1973413 (VCV001973413.3), dbSNP rs2540955080, ClinGen allele CA385809154.

ClinVar aggregate classification (germline): Uncertain significance. Review status: criteria provided, multiple submitters, no conflicts (2 of 4 stars). 2 submissions from 2 submitters: Uncertain significance (2). Last evaluated 2022-05-03.

Conditions:
Inborn genetic diseases. Identifiers: MedGen C0950123, MeSH D030342.
Bardet-Biedl syndrome (BBS). Identifiers: Orphanet 110, MedGen C0752166, MONDO:0015229.

Submissions (2):

Labcorp Genetics (formerly Invitae), Labcorp
Classification: Uncertain significance for Bardet-Biedl syndrome. Last evaluated: 2022-05-03. Review status: criteria provided, single submitter. Criteria: Invitae Variant Classification Sherloc (09022015). Collection method: clinical testing. Allele origin: germline.
Comment: This sequence change replaces isoleucine, which is neutral and non-polar, with methionine, which is neutral and non-polar, at codon 632 of the BBS10 protein (p.Ile632Met). This variant is not present in population databases (gnomAD no frequency). This variant has not been reported in the literature in individuals affected with BBS10-related conditions. Algorithms developed to predict the effect of missense changes on protein structure and function are either unavailable or do not agree on the potential impact of this missense change (SIFT: "Deleterious"; PolyPhen-2: "Benign"; Align-GVGD: "Class C0"). In summary, the available evidence is currently insufficient to determine the role of this variant in disease. Therefore, it has been classified as a Variant of Uncertain Significance.

Ambry Genetics
Classification: Uncertain significance for Inborn genetic diseases. Last evaluated: 2021-10-06. Review status: criteria provided, single submitter. Criteria: Ambry Variant Classification Scheme 2023. Collection method: clinical testing. Allele origin: germline.